The following is an entry in ClinVar:

ClinVar aggregate classification (germline): Pathogenic/Likely pathogenic. Review status: criteria provided, multiple submitters, no conflicts (2 of 4 stars). 2 submissions from 2 submitters: Pathogenic (1); Likely pathogenic (1). Last evaluated 2020-08-27.

Conditions:
Early-infantile DEE. Also called: Ohtahara syndrome; Early infantile epileptic encephalopathy with suppression bursts; Early infantile epileptic encephalopathy. Identifiers: Orphanet 1934, MedGen C0393706, MONDO:0800491.
Neurodevelopmental disorder. Identifiers: MedGen C1535926, MeSH D065886, MONDO:0700092.

Submissions (2):

Labcorp Genetics (formerly Invitae), Labcorp
Classification: Pathogenic for Early-infantile DEE. Last evaluated: 2020-08-27. Review status: criteria provided, single submitter. Criteria: Invitae Variant Classification Sherloc (09022015). Collection method: clinical testing. Allele origin: germline.
Comment: This sequence change replaces alanine with aspartic acid at codon 1326 of the SCN1A protein (p.Ala1326Asp). The alanine residue is highly conserved and there is a moderate physicochemical difference between alanine and aspartic acid. This variant is not present in population databases (ExAC no frequency). This variant has been observed in individual(s) with SCN1A-related condition (PMID: 19763161). In at least one individual the variant was observed to be de novo. Advanced modeling of protein sequence and biophysical properties (such as structural, functional, and spatial information, amino acid conservation, physicochemical variation, residue mobility, and thermodynamic stability) performed at Invitae indicates that this missense variant is expected to disrupt SCN1A protein function. For these reasons, this variant has been classified as Pathogenic.

Laboratory of Molecular Genetics (Pr. Bezieau's lab), CHU de Nantes
Classification: Likely pathogenic for Neurodevelopmental disorder. Last evaluated: 2020-08-03. Review status: criteria provided, single submitter. Criteria: ACMG Guidelines, 2015. Collection method: clinical testing. Allele origin: germline. Affected: yes.

Literature cited by the submitters: PubMed 19763161 (cited by Labcorp Genetics (formerly Invitae), Labcorp).

NM_001165963.4(SCN1A):c.3977C>A (p.Ala1326Asp)

Genes: SCN1A (sodium voltage-gated channel alpha subunit 1; minus strand), LOC102724058 (uncharacterized LOC102724058; plus strand). Cytogenetic location: 2q24.3.
Variant type: single nucleotide variant.
Coding change: c.3977C>A on transcript NM_001165963.4 (MANE Select); coding-DNA position 3977, C replaced by A.
Protein change: p.Ala1326Asp; replaces alanine 1326 with aspartic acid.
Molecular consequence: missense variant. On other transcripts: non-coding transcript variant (1).
Genome position (GRCh38, 1-based): chr2:166,009,744, G>T on the plus strand (C>A on the coding strand, the complement: SCN1A is on the minus strand). VCF-style: chr2-166009744-G-T. GRCh37 (hg19) VCF-style: chr2-166866254-G-T.
Other names: c.3893C>A, p.Ala1298Asp (NM_001165964.3, NM_001353957.2, NM_001353958.2); c.3977C>A, p.Ala1326Asp (NM_001202435.3, NM_001353948.2); c.3944C>A, p.Ala1315Asp (NM_001353949.2, NM_001353950.2, NM_001353951.2 and 2 more transcripts); c.3941C>A, p.Ala1314Asp (NM_001353954.2, NM_001353955.2); c.3890C>A, p.Ala1297Asp (NM_001353960.2); c.1535C>A, p.Ala512Asp (NM_001353961.2); short protein forms A1297D, A1298D, A1314D, A1315D, A1326D, A512D.
Identifiers: ClinVar variation 1064821 (VCV001064821.11), dbSNP rs2105569724, ClinGen allele CA349052971.